The following is an entry in ClinVar:

ClinVar aggregate classification (germline): Uncertain significance (1 of 4 stars; one submission).

Submission:

GeneDx
Classification: Uncertain significance. Last evaluated: 2024-04-18. Review status: criteria provided, single submitter. Criteria: GeneDx Variant Classification Process June 2021. Collection method: clinical testing. Allele origin: germline. Affected: yes.
Comment: Has not been previously published as pathogenic or benign to our knowledge; Not observed at significant frequency in large population cohorts (gnomAD); In silico analysis supports that this missense variant has a deleterious effect on protein structure/function

NM_000827.4(GRIA1):c.1624T>G (p.Cys542Gly)

Gene: GRIA1 (glutamate ionotropic receptor AMPA type subunit 1; plus strand). Cytogenetic location: 5q33.2.
Variant type: single nucleotide variant.
Coding change: c.1624T>G on transcript NM_000827.4 (MANE Select); coding-DNA position 1624, T replaced by G.
Protein change: p.Cys542Gly; replaces cysteine 542 with glycine.
Molecular consequence: missense variant. On other transcripts: non-coding transcript variant (2).
Genome position (GRCh38, 1-based): chr5:153,705,868, T>G. VCF-style: chr5-153705868-T-G. GRCh37 (hg19) VCF-style: chr5-153085428-T-G.
Other names: c.1624T>G, p.Cys542Gly (NM_001114183.2); c.1384T>G, p.Cys462Gly (NM_001258019.2); c.1339T>G, p.Cys447Gly (NM_001258020.2); c.1654T>G, p.Cys552Gly (NM_001258021.2, NM_001258022.2); c.1417T>G, p.Cys473Gly (NM_001258023.1, NM_001364167.2); c.1456T>G, p.Cys486Gly (NM_001364165.2); c.1651T>G, p.Cys551Gly (NM_001364166.2); short protein forms C447G, C462G, C473G, C486G, C542G, C551G, C552G.
Identifiers: ClinVar variation 3372797 (VCV003372797.1).